The following is an entry in ClinVar:

NM_000500.9(CYP21A2):c.377C>G (p.Ser126Ter)

Genes: CYP21A2 (cytochrome P450 family 21 subfamily A member 2; plus strand), LOC106780800 (CYP21A2 recombination region; plus strand). Cytogenetic location: 6p21.33.
Variant type: single nucleotide variant.
Coding change: c.377C>G on transcript NM_000500.9 (MANE Select); coding-DNA position 377, C replaced by G.
Protein change: p.Ser126Ter; replaces serine 126 with a stop codon.
Molecular consequence: nonsense. On other transcripts: 5 prime UTR variant (2).
Genome position (GRCh38, 1-based): chr6:32,039,178, C>G. VCF-style: chr6-32039178-C-G. GRCh37 (hg19) VCF-style: chr6-32006955-C-G.
Other names: c.287C>G, p.Ser96Ter (NM_001128590.4); c.-29C>G (NM_001368143.2, NM_001368144.2); short protein forms S126*, S96*.
Identifiers: ClinVar variation 375321 (VCV000375321.9), dbSNP rs1057519069, ClinGen allele CA363501324.
Genomic context (GRCh38, chr6:32,039,178, plus strand): 5'-CGGACCTGTCCTTGGGAGACTACTCCCTGCTCTGGAAAGCCCACAAGAAGCTCACCCGCT[C>G]AGCCCTGCTGCTGGGCATCCGTGACTCCATGGAGCCAGTGGTGGAGCAGCTGACCCAGGA-3'

ClinVar aggregate classification (germline): Pathogenic. Review status: criteria provided, multiple submitters, no conflicts (2 of 4 stars). 2 submissions from 2 submitters: Pathogenic (2). Last evaluated 2026-01-26.

Conditions:
21-Hydroxylase-Deficient Congenital Adrenal Hyperplasia. Also called: ADRENAL HYPERPLASIA III; ADRENAL HYPERPLASIA, CONGENITAL, DUE TO 21-HYDROXYLASE DEFICIENCY. Identifiers: MedGen C2936858, OMIM 201910.

Submissions (2):

Medical and Scientific Branch, Hong Kong Genome Institute
Classification: Pathogenic for 21-Hydroxylase-Deficient Congenital Adrenal Hyperplasia. Last evaluated: 2026-01-26. Review status: criteria provided, single submitter. Criteria: ACMG Guidelines, 2015. Collection method: clinical testing. Allele origin: unknown. Affected: yes.

Labcorp Genetics (formerly Invitae), Labcorp
Classification: Pathogenic. Last evaluated: 2021-06-16. Review status: criteria provided, single submitter. Criteria: Invitae Variant Classification Sherloc (09022015). Collection method: clinical testing. Allele origin: germline.
Comment: For these reasons, this variant has been classified as Pathogenic. Loss-of-function variants in CYP21A2 are known to be pathogenic (PMID: 10857554). This variant has been observed in individuals with classic salt-wasting congenital adrenal hyperplasia due to 21-hydroxylase deficiency (PMID: 30048636, 31446012). ClinVar contains an entry for this variant (Variation ID: 375321). The frequency data for this variant in the population databases (ExAC) is considered unreliable due to the presence of homologous sequence, such as pseudogenes or paralogs, in the genome. This sequence change creates a premature translational stop signal (p.Ser126*) in the CYP21A2 gene. It is expected to result in an absent or disrupted protein product.

Literature cited by the submitters: PubMed 10857554 (cited by Labcorp Genetics (formerly Invitae), Labcorp); PubMed 30048636 (cited by Labcorp Genetics (formerly Invitae), Labcorp); PubMed 31446012 (cited by Labcorp Genetics (formerly Invitae), Labcorp).